The following is an entry in ClinVar:

NM_000053.4(ATP7B):c.3797G>A (p.Gly1266Glu)

Gene: ATP7B (ATPase copper transporting beta; minus strand). Cytogenetic location: 13q14.3.
Variant type: single nucleotide variant.
Coding change: c.3797G>A on transcript NM_000053.4 (MANE Select); coding-DNA position 3797, G replaced by A.
Protein change: p.Gly1266Glu; replaces glycine 1266 with glutamic acid.
Molecular consequence: missense variant.
Genome position (GRCh38, 1-based): chr13:51,937,582, C>T on the plus strand (G>A on the coding strand, the complement: ATP7B is on the minus strand). VCF-style: chr13-51937582-C-T. GRCh37 (hg19) VCF-style: chr13-52511718-C-T.
Other names: c.3176G>A, p.Gly1059Glu (NM_001005918.3); c.3464G>A, p.Gly1155Glu (NM_001243182.2); c.3563G>A, p.Gly1188Glu (NM_001330578.2); c.3545G>A, p.Gly1182Glu (NM_001330579.2); short protein forms G1266E, G1182E, G1188E, G1059E, G1155E.
Identifiers: ClinVar variation 580021 (VCV000580021.8), dbSNP rs1566444586, ClinGen allele CA388022024.

ClinVar aggregate classification (germline): Uncertain significance (1 of 4 stars; one submission).

Conditions:
Wilson disease (WND). Also called: Wilson's disease. Identifiers: Orphanet 905, MedGen C0019202, MONDO:0010200, OMIM 277900. Disease mechanism: loss of function.

Submission:

Labcorp Genetics (formerly Invitae), Labcorp
Classification: Uncertain significance for Wilson disease. Last evaluated: 2018-05-21. Review status: criteria provided, single submitter. Criteria: Invitae Variant Classification Sherloc (09022015). Collection method: clinical testing. Allele origin: germline.
Comment: This sequence change replaces glycine with glutamic acid at codon 1266 of the ATP7B protein (p.Gly1266Glu). The glycine residue is highly conserved and there is a moderate physicochemical difference between glycine and glutamic acid. This variant is not present in population databases (ExAC no frequency). This variant has been observed in an individual affected with Wilson disease in whom no second allele was reported (PMID: 23235335). Algorithms developed to predict the effect of missense changes on protein structure and function are either unavailable or do not agree on the potential impact of this missense change (SIFT: "Deleterious"; PolyPhen-2: "Probably Damaging"; Align-GVGD: "Class C0"). The observation of one or more missense substitutions at this codon (p.Gly1266Arg and p.Gly1266Trp) in affected individuals suggests that this may be a clinically significant residue (PMID: 21610751, 11243728, 22692182, 21832955). In summary, the available evidence is currently insufficient to determine the role of this variant in disease. Therefore, it has been classified as a Variant of Uncertain Significance.

Literature cited by the submitters: PubMed 23235335; PubMed 21610751; PubMed 11243728; PubMed 22692182; PubMed 21832955.